The following is an entry in ClinVar:

ClinVar aggregate classification (germline): Uncertain significance. Review status: criteria provided, multiple submitters, no conflicts (2 of 4 stars). 2 submissions from 2 submitters: Uncertain significance (2). Last evaluated 2019-07-11.

Conditions:
Emery-Dreifuss muscular dystrophy 4, autosomal dominant (EDMD4). Also called: EMERY-DREIFUSS MUSCULAR DYSTROPHY 4 WITH VARIABLE FEATURES. Identifiers: Orphanet 261, MedGen C2751807, MONDO:0013071, OMIM 612998.
Autosomal recessive ataxia, Beauce type. Also called: SYNE1-Related Autosomal Recessive Cerebellar Ataxia; Spinocerebellar ataxia, autosomal recessive 8; ATAXIA, RECESSIVE, OF BEAUCE; SYNE1 Deficiency. Identifiers: Orphanet 88644, MedGen C1853116, MONDO:0012549, OMIM 610743.

Allele frequency attached by ClinVar (database versions not stated): gnomAD exomes below 0.00001 and 0.00002; TOPMed 0.00001; ExAC 0.00002; ESP Exome Variant Server 0.00008.
gnomAD v4.1: 28 of 1,612,298 alleles (0.0017%); highest among the groups gnomAD compares: Non-Finnish European, 0.0021%; no homozygotes.

Submissions (2):

Labcorp Genetics (formerly Invitae), Labcorp
Classification: Uncertain significance for Emery-Dreifuss muscular dystrophy 4, autosomal dominant; Autosomal recessive ataxia, Beauce type. Last evaluated: 2019-07-11. Review status: criteria provided, single submitter. Criteria: Invitae Variant Classification Sherloc (09022015). Collection method: clinical testing. Allele origin: germline.
Comment: This variant is present in population databases (rs377413112, ExAC 0.003%). This sequence change falls in intron 106 of the SYNE1 gene. It does not directly change the encoded amino acid sequence of the SYNE1 protein, but it affects a nucleotide within the consensus splice site of the intron. This variant has not been reported in the literature in individuals with SYNE1-related disease. ClinVar contains an entry for this variant (Variation ID: 471018). In summary, the available evidence is currently insufficient to determine the role of this variant in disease. Therefore, it has been classified as a Variant of Uncertain Significance. Nucleotide substitutions within the consensus splice site are a relatively common cause of aberrant splicing (PMID: 17576681, 9536098). Algorithms developed to predict the effect of sequence changes on RNA splicing suggest that this variant is not likely to affect RNA splicing, but this prediction has not been confirmed by published transcriptional studies.

Eurofins Ntd Llc (ga)
Classification: Uncertain significance. Last evaluated: 2018-07-10. Review status: criteria provided, single submitter. Criteria: EGL ClinVar v180209 classification definitions. Collection method: clinical testing. Allele origin: germline. Observed: 1 variant allele, 1 heterozygote.

Literature cited by the submitters: PubMed 17576681 (cited by Labcorp Genetics (formerly Invitae), Labcorp); PubMed 9536098 (cited by Labcorp Genetics (formerly Invitae), Labcorp).

NM_182961.4(SYNE1):c.19893+6T>C

Gene: SYNE1 (spectrin repeat containing nuclear envelope protein 1; minus strand). Cytogenetic location: 6q25.2.
Variant type: single nucleotide variant.
Coding change: c.19893+6T>C on transcript NM_182961.4 (MANE Select); 6 bases into the intron after coding-DNA position 19893, T replaced by C.
Molecular consequence: intron variant.
Genome position (GRCh38, 1-based): chr6:152,242,234, A>G on the plus strand (T>C on the coding strand, the complement: SYNE1 is on the minus strand). VCF-style: chr6-152242234-A-G. GRCh37 (hg19) VCF-style: chr6-152563369-A-G.
Other names: c.19680+6T>C (NM_033071.5).
Identifiers: ClinVar variation 471018 (VCV000471018.14), dbSNP rs377413112, ClinGen allele CA4054558.
Genomic context (GRCh38, chr6:152,242,234, plus strand): 5'-ATATCAGGGTTTGAGAGCATGCTTTCCAATTACATTTTCTCTCTATCACTCTTTTTTGTT[A>G]TGTACCTTATGTTTGTCAAGTAGTTGCTGGATTTCCTCTTTGGAAGACACGATGATTTTC-3'